The following is an entry in ClinVar:

ClinVar aggregate classification (germline): Benign/Likely benign. Review status: criteria provided, multiple submitters, no conflicts (2 of 4 stars). 8 submissions from 8 submitters: Benign (4); Likely benign (2). 2 of the submissions do not count toward it. Last evaluated 2026-02-04.

Conditions:
Primary immunodeficiency with post-measles-mumps-rubella vaccine viral infection. Also called: Immunodeficiency 44. Identifiers: Orphanet 431166, MedGen C4225260, MONDO:0014715, OMIM 616636.

Allele frequency attached by ClinVar (database versions not stated): gnomAD exomes 0.05972 and 0.04901; 1000 Genomes Project 30x 0.03201; 1000 Genomes Project 0.03255; TOPMed 0.04242; ESP Exome Variant Server 0.04483; gnomAD 0.04605 and 0.04622; ExAC 0.04821.
gnomAD v4.1: 93,983 of 1,614,160 alleles (5.8%); highest among the groups gnomAD compares: Non-Finnish European, 6.7%; 3,148 homozygotes.

Submissions (8):

Labcorp Genetics (formerly Invitae), Labcorp
Classification: Benign for Primary immunodeficiency with post-measles-mumps-rubella vaccine viral infection. Last evaluated: 2026-02-04. Review status: criteria provided, single submitter. Criteria: Invitae Variant Classification Sherloc (09022015). Collection method: clinical testing. Allele origin: germline.

Women's Health and Genetics/Laboratory Corporation of America, LabCorp
Classification: Likely benign. Last evaluated: 2026-01-21. Review status: criteria provided, single submitter. Criteria: LabCorp Variant Classification Summary - May 2015. Collection method: clinical testing. Allele origin: germline.

Blueprint Genetics
Classification: Likely benign. Last evaluated: 2024-11-27. Review status: criteria provided, single submitter. Criteria: ACMG Guidelines, 2015. Collection method: clinical testing. Allele origin: germline.

Mayo Clinic Laboratories, Mayo Clinic
Classification: Benign. Last evaluated: 2023-08-14. Review status: criteria provided, single submitter. Criteria: ACMG Guidelines, 2015. Collection method: clinical testing. Allele origin: germline. Observed: 46 variant alleles.
Comment: BA1, BS2

Laboratory for Molecular Medicine, Mass General Brigham Personalized Medicine
Classification: Benign. Last evaluated: 2016-03-29. Review status: criteria provided, single submitter. Criteria: LMM Criteria. Collection method: clinical testing. Allele origin: germline.
Comment: Variant identified in a genome or exome case(s) and assessed due to predicted null impact of the variant or pathogenic assertions in the literature or databases. Disclaimer: This variant has not undergone full assessment. The following are preliminary notes: MAF

Breakthrough Genomics
Classification: Benign. Review status: criteria provided, single submitter. Criteria: ACMG Guidelines, 2015. Collection method: not provided. Allele origin: germline. Inheritance: Autosomal recessive inheritance. Affected: yes.

Genome Diagnostics Laboratory, University Medical Center Utrecht
Classification: Benign. Review status: no assertion criteria provided. Collection method: clinical testing. Allele origin: germline. Affected: yes. Study: VKGL Data-share Consensus. Not counted in ClinVar's aggregate classification.

Laboratory of Diagnostic Genome Analysis, Leiden University Medical Center (LUMC)
Classification: Benign. Review status: no assertion criteria provided. Collection method: clinical testing. Allele origin: germline. Affected: yes. Study: VKGL Data-share Consensus. Not counted in ClinVar's aggregate classification.

Literature cited by the submitters: PubMed 28973304 (cited by Mayo Clinic Laboratories, Mayo Clinic).

NM_005419.4(STAT2):c.1782G>C (p.Met594Ile)

Gene: STAT2 (signal transducer and activator of transcription 2; minus strand). Cytogenetic location: 12q13.3.
Variant type: single nucleotide variant.
Coding change: c.1782G>C on transcript NM_005419.4 (MANE Select); coding-DNA position 1782, G replaced by C.
Protein change: p.Met594Ile; replaces methionine 594 with isoleucine.
Molecular consequence: missense variant.
Genome position (GRCh38, 1-based): chr12:56,346,898, C>G on the plus strand (G>C on the coding strand, the complement: STAT2 is on the minus strand). VCF-style: chr12-56346898-C-G. GRCh37 (hg19) VCF-style: chr12-56740682-C-G.
Other names: c.1770G>C, p.Met590Ile (NM_198332.2); short protein forms M594I, M590I.
Identifiers: ClinVar variation 403493 (VCV000403493.20), dbSNP rs2066807, ClinGen allele CA6630398.